The following is an entry in ClinVar:

ClinVar aggregate classification (germline): Uncertain significance (1 of 4 stars; one submission).

Conditions:
Epidermolysis bullosa simplex 5B, with muscular dystrophy (EBS5B). Also called: Epidermolysis bullosa simplex with muscular dystrophy; EPIDERMOLYSIS BULLOSA SIMPLEX AND LIMB-GIRDLE MUSCULAR DYSTROPHY. Identifiers: Orphanet 257, MedGen C2931072, MONDO:0009181, OMIM 226670.
Epidermolysis bullosa simplex, Ogna type (EBS5A). Also called: Pidermolysis bullosa simplex 5A, Ogna type; EPIDERMOLYSIS BULLOSA SIMPLEX 5A, OGNA TYPE. Identifiers: Orphanet 79401, MedGen C0432317, MONDO:0007555, OMIM 131950.
Autosomal recessive limb-girdle muscular dystrophy type 2Q (LGMDR17). Also called: MUSCULAR DYSTROPHY, LIMB-GIRDLE, AUTOSOMAL RECESSIVE 17. Identifiers: Orphanet 254361, MedGen C3150989, MONDO:0013390, OMIM 613723.
Epidermolysis bullosa simplex with nail dystrophy (EBS5D). Identifiers: MedGen C4225309, MONDO:0014661, OMIM 616487.
Epidermolysis bullosa simplex 5C, with pyloric atresia (EBS5C). Also called: Epidermolysis bullosa simplex with pyloric atresia; PLEC-Related Epidermolysis Bullosa with Pyloric Atresia; PLEC1-Related Epidermolysis Bullosa with Pyloric Atresia. Identifiers: Orphanet 158684, MedGen C2677349, MONDO:0012807, OMIM 612138.

Submission:

Labcorp Genetics (formerly Invitae), Labcorp
Classification: Uncertain significance for Autosomal recessive limb-girdle muscular dystrophy type 2Q; Epidermolysis bullosa simplex, Ogna type; Epidermolysis bullosa simplex with nail dystrophy; Epidermolysis bullosa simplex 5C, with pyloric atresia; Epidermolysis bullosa simplex 5B, with muscular dystrophy. Last evaluated: 2021-04-23. Review status: criteria provided, single submitter. Criteria: Invitae Variant Classification Sherloc (09022015). Collection method: clinical testing. Allele origin: germline.
Comment: In summary, the available evidence is currently insufficient to determine the role of this variant in disease. Therefore, it has been classified as a Variant of Uncertain Significance. Algorithms developed to predict the effect of missense changes on protein structure and function (SIFT, PolyPhen-2, Align-GVGD) all suggest that this variant is likely to be disruptive, but these predictions have not been confirmed by published functional studies and their clinical significance is uncertain. This variant has not been reported in the literature in individuals with PLEC-related conditions. This variant is not present in population databases (ExAC no frequency). This sequence change replaces glutamic acid with aspartic acid at codon 2927 of the PLEC protein (p.Glu2927Asp). The glutamic acid residue is highly conserved and there is a small physicochemical difference between glutamic acid and aspartic acid.

NM_201384.3(PLEC):c.8700G>T (p.Glu2900Asp)

Gene: PLEC (plectin; minus strand). Cytogenetic location: 8q24.3.
Variant type: single nucleotide variant.
Coding change: c.8700G>T on transcript NM_201384.3 (MANE Select); coding-DNA position 8700, G replaced by T.
Protein change: p.Glu2900Asp; replaces glutamic acid 2900 with aspartic acid.
Molecular consequence: missense variant.
Genome position (GRCh38, 1-based): chr8:143,921,121, C>A on the plus strand (G>T on the coding strand, the complement: PLEC is on the minus strand). VCF-style: chr8-143921121-C-A. GRCh37 (hg19) VCF-style: chr8-144995289-C-A.
Other names: c.8781G>T, p.Glu2927Asp (NM_000445.5); c.8658G>T, p.Glu2886Asp (NM_201378.4); c.8634G>T, p.Glu2878Asp (NM_201379.3); c.9111G>T, p.Glu3037Asp (NM_201380.4); c.8604G>T, p.Glu2868Asp (NM_201381.3); c.8700G>T, p.Glu2900Asp (NM_201382.4); c.8712G>T, p.Glu2904Asp (NM_201383.3); short protein forms E2868D, E2900D, E2878D, E3037D, E2886D, E2904D, E2927D.
Identifiers: ClinVar variation 1376539 (VCV001376539.8), dbSNP rs2131138799, ClinGen allele CA372515517.
Genomic context (GRCh38, chr8:143,921,121, plus strand): 5'-CTTGCCCTGGAACTTGCCGAACGGCGCAGACACGGTGGCCTTCTCAAAGACGTCCCGGGC[C>A]TCGGAGTCAGTGTAGACCAGCTCCCCGCCCTTGGCAGCCTTATCCGTGAGTGGCAGAAGG-3'
Protein context (NP_958786.1, residues 2890-2910): KGGELVYTDS[Glu2900Asp]ARDVFEKATV